The following is an entry in ClinVar:

NM_015559.3(SETBP1):c.4201C>G (p.Arg1401Gly)

Gene: SETBP1 (SET binding protein 1; plus strand). Cytogenetic location: 18q12.3.
Variant type: single nucleotide variant.
Coding change: c.4201C>G on transcript NM_015559.3 (MANE Select); coding-DNA position 4201, C replaced by G.
Protein change: p.Arg1401Gly; replaces arginine 1401 with glycine.
Molecular consequence: missense variant.
Genome position (GRCh38, 1-based): chr18:45,063,108, C>G. VCF-style: chr18-45063108-C-G. GRCh37 (hg19) VCF-style: chr18-42643073-C-G.
Other names: c.4201C>G, p.Arg1401Gly (NM_001379141.1, NM_001379142.1); c.4030C>G, p.Arg1344Gly (NM_001410862.1); c.4201C>G (NM_015559.2); short protein forms R1344G, R1401G.
Identifiers: ClinVar variation 3063685 (VCV003063685.3), dbSNP rs1371982429, ClinGen allele CA402482807.

ClinVar aggregate classification (germline): Conflicting classifications of pathogenicity. Review status: criteria provided, conflicting classifications (1 of 4 stars). 3 submissions from 3 submitters: Uncertain significance (2); Likely benign (1). Last evaluated 2025-05-04.

Conditions:
Inborn genetic diseases. Identifiers: MedGen C0950123, MeSH D030342.

Allele frequency attached by ClinVar (database versions not stated): TOPMed 0.00001; gnomAD 0.00001.
gnomAD v4.1: 4 of 1,613,860 alleles (0.00025%); highest among the groups gnomAD compares: African/African-American, 0.0027%; no homozygotes.

Submissions (3):

Ambry Genetics
Classification: Uncertain significance for Inborn genetic diseases. Last evaluated: 2025-05-04. Review status: criteria provided, single submitter. Criteria: Ambry Variant Classification Scheme 2023. Collection method: clinical testing. Allele origin: germline.

Labcorp Genetics (formerly Invitae), Labcorp
Classification: Likely benign. Last evaluated: 2025-03-20. Review status: criteria provided, single submitter. Criteria: Invitae Variant Classification Sherloc (09022015). Collection method: clinical testing. Allele origin: germline.

Women's Health and Genetics/Laboratory Corporation of America, LabCorp
Classification: Uncertain significance. Last evaluated: 2024-01-26. Review status: criteria provided, single submitter. Criteria: LabCorp Variant Classification Summary - May 2015. Collection method: clinical testing. Allele origin: germline.
Comment: Variant summary: SETBP1 c.4201C>G (p.Arg1401Gly) results in a non-conservative amino acid change in the encoded protein sequence. Four of four in-silico tools predict a damaging effect of the variant on protein function. The variant was absent in 251216 control chromosomes. The available data on variant occurrences in the general population are insufficient to allow any conclusion about variant significance. To our knowledge, no occurrence of c.4201C>G in individuals affected with SETBP1-Related Disorders and no experimental evidence demonstrating its impact on protein function have been reported. No submitters have cited clinical-significance assessments for this variant to ClinVar. Based on the evidence outlined above, the variant was classified as uncertain significance.